The following is an entry in ClinVar:

NM_024656.4(COLGALT1):c.1602-3C>T

Gene: COLGALT1 (collagen beta(1-O)galactosyltransferase 1; plus strand). Cytogenetic location: 19p13.11.
Variant type: single nucleotide variant.
Coding change: c.1602-3C>T on transcript NM_024656.4 (MANE Select); 3 bases into the intron before coding-DNA position 1602, C replaced by T.
Molecular consequence: intron variant.
Genome position (GRCh38, 1-based): chr19:17,581,174, C>T. VCF-style: chr19-17581174-C-T. GRCh37 (hg19) VCF-style: chr19-17691983-C-T.
Identifiers: ClinVar variation 2549342 (VCV002549342.2), dbSNP rs766255783, ClinGen allele CA9297385.

ClinVar aggregate classification (germline): Uncertain significance (1 of 4 stars; one submission).

Conditions:
Inborn genetic diseases. Identifiers: MedGen C0950123, MeSH D030342.

Allele frequency attached by ClinVar (database versions not stated): ExAC 0.00001.
gnomAD v4.1: 2 of 1,605,684 alleles (0.00012%); highest among the groups gnomAD compares: African/African-American, 0.0013%; no homozygotes.

Submission:

Ambry Genetics
Classification: Uncertain significance for Inborn genetic diseases. Last evaluated: 2023-06-07. Review status: criteria provided, single submitter. Criteria: Ambry Variant Classification Scheme 2023. Collection method: clinical testing. Allele origin: germline.
Comment: The c.1602-3C>T intronic alteration consists of a C to T substitution 3 nucleotides before coding exon 11 in the COLGALT1 gene. Based on insufficient or conflicting evidence, the clinical significance of this alteration remains unclear.